The following is an entry in ClinVar:

NM_004655.4(AXIN2):c.2186C>T (p.Thr729Ile)

Gene: AXIN2 (axin 2; minus strand). Cytogenetic location: 17q24.1.
Variant type: single nucleotide variant.
Coding change: c.2186C>T on transcript NM_004655.4 (MANE Select); coding-DNA position 2186, C replaced by T.
Protein change: p.Thr729Ile; replaces threonine 729 with isoleucine.
Molecular consequence: missense variant.
Genome position (GRCh38, 1-based): chr17:65,535,677, G>A on the plus strand (C>T on the coding strand, the complement: AXIN2 is on the minus strand). VCF-style: chr17-65535677-G-A. GRCh37 (hg19) VCF-style: chr17-63531795-G-A.
Other names: c.2186C>T (LRG_296t1); c.1991C>T, p.Thr664Ile (NM_001363813.1); short protein forms T729I, T664I.
Identifiers: ClinVar variation 571460 (VCV000571460.11), dbSNP rs1567753453, ClinGen allele CA400675791.
Genomic context (GRCh38, chr17:65,535,677, plus strand): 5'-GACACTCACTCTTCTGGAGCCAGGCTTGGATTGGAGAAGGGTGTGGCTCCCGTCTGAACA[G>A]TGGCCGAATGATTCCTGTCCCTCTGCTGACTGGCCACACAGCACCTGAGGACACAGCCAG-3'
Protein context (NP_004646.3, residues 719-739): SQQRDRNHSA[Thr729Ile]VQTGATPFSN

ClinVar aggregate classification (germline): Uncertain significance. Review status: criteria provided, multiple submitters, no conflicts (2 of 4 stars). 2 submissions from 2 submitters: Uncertain significance (2). Last evaluated 2024-04-19.

Conditions:
Hereditary cancer-predisposing syndrome. Also called: Hereditary neoplastic syndrome; Tumor predisposition; Neoplastic Syndromes, Hereditary; Hereditary Cancer Syndrome. Identifiers: Orphanet 140162, MedGen C0027672, MeSH D009386, MONDO:0015356.
Oligodontia-cancer predisposition syndrome. Also called: TOOTH AGENESIS-COLORECTAL CANCER SYNDROME. Identifiers: Orphanet 300576, MedGen C1837750, MONDO:0012075, OMIM 608615. Disease mechanism: loss of function.

Submissions (2):

Ambry Genetics
Classification: Uncertain significance for Hereditary cancer-predisposing syndrome. Last evaluated: 2024-04-19. Review status: criteria provided, single submitter. Criteria: Ambry Variant Classification Scheme 2023. Collection method: clinical testing. Allele origin: germline.
Comment: The p.T729I variant (also known as c.2186C>T), located in coding exon 8 of the AXIN2 gene, results from a C to T substitution at nucleotide position 2186. The threonine at codon 729 is replaced by isoleucine, an amino acid with similar properties. This amino acid position is conserved. In addition, this alteration is predicted to be tolerated by in silico analysis. Based on the available evidence, the clinical significance of this variant remains unclear.

Labcorp Genetics (formerly Invitae), Labcorp
Classification: Uncertain significance for Oligodontia-cancer predisposition syndrome. Last evaluated: 2019-11-15. Review status: criteria provided, single submitter. Criteria: Invitae Variant Classification Sherloc (09022015). Collection method: clinical testing. Allele origin: germline.
Comment: In summary, the available evidence is currently insufficient to determine the role of this variant in disease. Therefore, it has been classified as a Variant of Uncertain Significance. Algorithms developed to predict the effect of missense changes on protein structure and function do not agree on the potential impact of this missense change (SIFT: "Tolerated"; PolyPhen-2: "Benign"; Align-GVGD: "Class C15"). This variant has not been reported in the literature in individuals with AXIN2-related disease. This variant is not present in population databases (ExAC no frequency). This sequence change replaces threonine with isoleucine at codon 729 of the AXIN2 protein (p.Thr729Ile). The threonine residue is weakly conserved and there is a moderate physicochemical difference between threonine and isoleucine.